The following is an entry in ClinVar:

NM_017739.4(POMGNT1):c.1284+5G>T

Genes: POMGNT1 (protein O-linked mannose N-acetylglucosaminyltransferase 1 (beta 1,2-); minus strand), TSPAN1 (tetraspanin 1; plus strand). Cytogenetic location: 1p34.1.
Variant type: single nucleotide variant.
Coding change: c.1284+5G>T on transcript NM_017739.4 (MANE Select); 5 bases into the intron after coding-DNA position 1284, G replaced by T.
Molecular consequence: intron variant.
Genome position (GRCh38, 1-based): chr1:46,192,513, C>A on the plus strand (G>T on the coding strand, the complement: POMGNT1 is on the minus strand). VCF-style: chr1-46192513-C-A. GRCh37 (hg19) VCF-style: chr1-46658185-C-A.
Other names: c.1284+5G>T (NM_001243766.2, NM_001438686.1, NM_001438688.1 and 3 more transcripts); c.1218+5G>T (NM_001290129.3, NM_001438691.1, NM_001438692.1); c.855+5G>T (NM_001290130.2).
Identifiers: ClinVar variation 1443455 (VCV001443455.3), dbSNP rs1257224073, ClinGen allele CA522811721.

ClinVar aggregate classification (germline): Uncertain significance (1 of 4 stars; one submission).

Conditions:
Autosomal recessive limb-girdle muscular dystrophy type 2O. Also called: Limb-Girdle Muscular Dystrophy Type 3C; MUSCULAR DYSTROPHY-DYSTROGLYCANOPATHY (LIMB-GIRDLE), TYPE C, 3; MUSCULAR DYSTROPHY-DYSTROGLYCANOPATHY, LIMB-GIRDLE, POMGNT1-RELATED. Identifiers: Orphanet 206564, MedGen C3150417, MONDO:0013161, OMIM 613157.
Muscular dystrophy-dystroglycanopathy (congenital with impaired intellectual development), type B, 3. Also called: Muscular dystrophy-dystroglycanopathy (congenital with intellectual disability), type B3; MUSCULAR DYSTROPHY, CONGENITAL, POMGNT1-RELATED. Identifiers: MedGen C3150412, MONDO:0013155, OMIM 613151.

Allele frequency attached by ClinVar (database versions not stated): gnomAD exomes 0.00001.
gnomAD v4.1: 9 of 1,614,170 alleles (0.00056%); highest among the groups gnomAD compares: South Asian, 0.0077%; no homozygotes.

Submission:

Labcorp Genetics (formerly Invitae), Labcorp
Classification: Uncertain significance for Autosomal recessive limb-girdle muscular dystrophy type 2O; Muscular dystrophy-dystroglycanopathy (congenital with impaired intellectual development), type B, 3. Last evaluated: 2022-06-13. Review status: criteria provided, single submitter. Criteria: Invitae Variant Classification Sherloc (09022015). Collection method: clinical testing. Allele origin: germline.
Comment: This sequence change falls in intron 15 of the POMGNT1 gene. It does not directly change the encoded amino acid sequence of the POMGNT1 protein. It affects a nucleotide within the consensus splice site. This variant is present in population databases (no rsID available, gnomAD 0.006%). This variant has not been reported in the literature in individuals affected with POMGNT1-related conditions. Variants that disrupt the consensus splice site are a relatively common cause of aberrant splicing (PMID: 17576681, 9536098). Algorithms developed to predict the effect of sequence changes on RNA splicing suggest that this variant is not likely to affect RNA splicing. In summary, the available evidence is currently insufficient to determine the role of this variant in disease. Therefore, it has been classified as a Variant of Uncertain Significance.

Literature cited by the submitters: PubMed 17576681; PubMed 9536098.